The following is an entry in ClinVar:

NM_001378418.1(TCF20):c.5321A>T (p.Gln1774Leu)

Gene: TCF20 (transcription factor 20; minus strand). Cytogenetic location: 22q13.2.
Variant type: single nucleotide variant.
Coding change: c.5321A>T on transcript NM_001378418.1 (MANE Select); coding-DNA position 5321, A replaced by T.
Protein change: p.Gln1774Leu; replaces glutamine 1774 with leucine.
Molecular consequence: missense variant.
Genome position (GRCh38, 1-based): chr22:42,209,985, T>A on the plus strand (A>T on the coding strand, the complement: TCF20 is on the minus strand). VCF-style: chr22-42209985-T-A. GRCh37 (hg19) VCF-style: chr22-42605991-T-A.
Other names: c.5321A>T, p.Gln1774Leu (NM_005650.4, NM_181492.3); short protein forms Q1774L.
Identifiers: ClinVar variation 3674297 (VCV003674297.2).
Genomic context (GRCh38, chr22:42,209,985, plus strand): 5'-TCTTCCGAGCGGTGGCGCCGCTTAAACCTGGGGTGTGCGGCCAGGCTTCTCTGCTCCTTC[T>A]GCTGCTGCTGCTGCTCTTCCTCCTCCTCAGTGTCCGTCTTGGAGCCATTAGAAGCACTTT-3'
Protein context (NP_001365347.1, residues 1764-1784): TEEEEEQQQQ[Gln1774Leu]KEQRSLAAHP

ClinVar aggregate classification (germline): Uncertain significance (1 of 4 stars; one submission).

Submission:

Labcorp Genetics (formerly Invitae), Labcorp
Classification: Uncertain significance. Last evaluated: 2024-07-09. Review status: criteria provided, single submitter. Criteria: Invitae Variant Classification Sherloc (09022015). Collection method: clinical testing. Allele origin: germline.
Comment: This sequence change replaces glutamine, which is neutral and polar, with leucine, which is neutral and non-polar, at codon 1774 of the TCF20 protein (p.Gln1774Leu). This variant is not present in population databases (gnomAD no frequency). This variant has not been reported in the literature in individuals affected with TCF20-related conditions. An algorithm developed to predict the effect of missense changes on protein structure and function (PolyPhen-2) suggests that this variant is likely to be tolerated. In summary, the available evidence is currently insufficient to determine the role of this variant in disease. Therefore, it has been classified as a Variant of Uncertain Significance.